The following is an entry in ClinVar:

NM_023036.6(DNAI2):c.197G>A (p.Arg66Gln)

Gene: DNAI2 (dynein axonemal intermediate chain 2; plus strand). Cytogenetic location: 17q25.1.
Variant type: single nucleotide variant.
Coding change: c.197G>A on transcript NM_023036.6 (MANE Select); coding-DNA position 197, G replaced by A.
Protein change: p.Arg66Gln; replaces arginine 66 with glutamine.
Molecular consequence: missense variant. On other transcripts: non-coding transcript variant (1).
Genome position (GRCh38, 1-based): chr17:74,285,053, G>A. VCF-style: chr17-74285053-G-A. GRCh37 (hg19) VCF-style: chr17-72281192-G-A.
Other names: c.197G>A, p.Arg66Gln (NM_001172810.3, NM_001353167.2); short protein forms R66Q.
Identifiers: ClinVar variation 2037252 (VCV002037252.1), dbSNP rs147470752, ClinGen allele CA400903606.

ClinVar aggregate classification (germline): Uncertain significance (1 of 4 stars; one submission).

Conditions:
Primary ciliary dyskinesia. Also called: Ciliary dyskinesia. Identifiers: Orphanet 244, MedGen C0008780, MONDO:0016575, HP:0012265.

gnomAD v4.1: 28 of 1,614,100 alleles (0.0017%); highest among the groups gnomAD compares: East Asian, 0.0022%; no homozygotes.

Submission:

Labcorp Genetics (formerly Invitae), Labcorp
Classification: Uncertain significance for Primary ciliary dyskinesia. Last evaluated: 2021-09-17. Review status: criteria provided, single submitter. Criteria: Invitae Variant Classification Sherloc (09022015). Collection method: clinical testing. Allele origin: germline.
Comment: This sequence change replaces arginine with glutamine at codon 66 of the DNAI2 protein (p.Arg66Gln). The arginine residue is highly conserved and there is a small physicochemical difference between arginine and glutamine. This variant is not present in population databases (ExAC no frequency). This variant has not been reported in the literature in individuals with DNAI2-related conditions. Algorithms developed to predict the effect of missense changes on protein structure and function (SIFT, PolyPhen-2, Align-GVGD) all suggest that this variant is likely to be tolerated, but these predictions have not been confirmed by published functional studies and their clinical significance is uncertain. In summary, the available evidence is currently insufficient to determine the role of this variant in disease. Therefore, it has been classified as a Variant of Uncertain Significance.